The following is an entry in ClinVar:

ClinVar aggregate classification (germline): Benign/Likely benign. Review status: criteria provided, multiple submitters, no conflicts (2 of 4 stars). 3 submissions from 3 submitters: Benign (1); Likely benign (2). Last evaluated 2025-12-09.

Conditions:
Hereditary cancer-predisposing syndrome. Also called: Neoplastic Syndromes, Hereditary; Tumor predisposition; Hereditary Cancer Syndrome; Hereditary neoplastic syndrome. Identifiers: Orphanet 140162, MedGen C0027672, MeSH D009386, MONDO:0015356.
Hereditary diffuse gastric adenocarcinoma (HDGC). Also called: DIFFUSE GASTRIC AND LOBULAR BREAST CANCER SYNDROME. Identifiers: Orphanet 26106, MedGen C1708349, MONDO:0007648, OMIM 137215.

Allele frequency attached by ClinVar (database versions not stated): TOPMed below 0.00001.

Submissions (3):

Labcorp Genetics (formerly Invitae), Labcorp
Classification: Likely benign. Last evaluated: 2025-12-09. Review status: criteria provided, single submitter. Criteria: Invitae Variant Classification Sherloc (09022015). Collection method: clinical testing. Allele origin: germline.

Myriad Genetics, Inc.
Classification: Benign for Hereditary diffuse gastric adenocarcinoma. Last evaluated: 2024-10-11. Review status: criteria provided, single submitter. Criteria: Myriad Autosomal Dominant, Autosomal Recessive and X-Linked Classification Criteria (2023). Collection method: clinical testing. Allele origin: unknown.
Comment: This variant is considered benign. This variant is a silent/synonymous amino acid change and it is not expected to impact splicing.

Ambry Genetics
Classification: Likely benign for Hereditary cancer-predisposing syndrome. Last evaluated: 2023-05-07. Review status: criteria provided, single submitter. Criteria: Ambry Variant Classification Scheme 2023. Collection method: clinical testing. Allele origin: germline.

NM_001903.5(CTNNA1):c.1347T>A (p.Leu449=)

Gene: CTNNA1 (catenin alpha 1; plus strand). Cytogenetic location: 5q31.2.
Variant type: single nucleotide variant.
Coding change: c.1347T>A on transcript NM_001903.5 (MANE Select); coding-DNA position 1347, T replaced by A.
Protein change: p.Leu449=; no amino-acid change (leucine 449 retained).
Molecular consequence: synonymous variant. On other transcripts: 5 prime UTR variant (6), intron variant (3).
Genome position (GRCh38, 1-based): chr5:138,904,399, T>A. VCF-style: chr5-138904399-T-A. GRCh37 (hg19) VCF-style: chr5-138240088-T-A.
Other names: c.1347T>A, p.Leu449= (NM_001290307.3, NM_001323982.2, NM_001323983.1 and 2 more transcripts); c.1038T>A, p.Leu346= (NM_001290309.3); c.978T>A, p.Leu326= (NM_001290310.3); c.237T>A, p.Leu79= (NM_001290312.1, NM_001323987.1, NM_001323988.1 and 17 more transcripts); c.-161T>A (NM_001324006.1, NM_001324007.1, NM_001324008.1 and 1 more transcripts); c.-7T>A (NM_001324012.1, NM_001324013.1); c.1297-13343T>A (NM_001323986.2); c.187-13343T>A (NM_001324011.1); and 2 more.
Identifiers: ClinVar variation 1125143 (VCV001125143.11), dbSNP rs1228063850, ClinGen allele CA446594640.